The following is an entry in ClinVar:

ClinVar aggregate classification (germline): Uncertain significance (1 of 4 stars; one submission).

Allele frequency attached by ClinVar (database versions not stated): TOPMed 0.00002.

Submission:

Labcorp Genetics (formerly Invitae), Labcorp
Classification: Uncertain significance. Last evaluated: 2023-02-22. Review status: criteria provided, single submitter. Criteria: Invitae Variant Classification Sherloc (09022015). Collection method: clinical testing. Allele origin: germline.
Comment: In summary, the available evidence is currently insufficient to determine the role of this variant in disease. Therefore, it has been classified as a Variant of Uncertain Significance. Advanced modeling of protein sequence and biophysical properties (such as structural, functional, and spatial information, amino acid conservation, physicochemical variation, residue mobility, and thermodynamic stability) has been performed at Invitae for this missense variant, however the output from this modeling did not meet the statistical confidence thresholds required to predict the impact of this variant on CLCN4 protein function. This variant has not been reported in the literature in individuals affected with CLCN4-related conditions. This variant is not present in population databases (gnomAD no frequency). This sequence change replaces threonine, which is neutral and polar, with alanine, which is neutral and non-polar, at codon 703 of the CLCN4 protein (p.Thr703Ala).

NM_001830.4(CLCN4):c.2107A>G (p.Thr703Ala)

Gene: CLCN4 (chloride voltage-gated channel 4; plus strand). Cytogenetic location: Xp22.2.
Variant type: single nucleotide variant.
Coding change: c.2107A>G on transcript NM_001830.4 (MANE Select); coding-DNA position 2107, A replaced by G.
Protein change: p.Thr703Ala; replaces threonine 703 with alanine.
Molecular consequence: missense variant.
Genome position (GRCh38, 1-based): chrX:10,220,792, A>G. VCF-style: chrX-10220792-A-G. GRCh37 (hg19) VCF-style: chrX-10188832-A-G.
Other names: c.1825A>G, p.Thr609Ala (NM_001256944.2); short protein forms T609A, T703A.
Identifiers: ClinVar variation 2894238 (VCV002894238.3), dbSNP rs1924841069, ClinGen allele CA412044642.